The following is an entry in ClinVar:

NM_138694.4(PKHD1):c.4505T>A (p.Val1502Glu)

Gene: PKHD1 (PKHD1 ciliary IPT domain containing fibrocystin/polyductin; minus strand). Cytogenetic location: 6p12.2.
Variant type: single nucleotide variant.
Coding change: c.4505T>A on transcript NM_138694.4 (MANE Select); coding-DNA position 4505, T replaced by A.
Protein change: p.Val1502Glu; replaces valine 1502 with glutamic acid.
Molecular consequence: missense variant.
Genome position (GRCh38, 1-based): chr6:52,025,305, A>T on the plus strand (T>A on the coding strand, the complement: PKHD1 is on the minus strand). VCF-style: chr6-52025305-A-T. GRCh37 (hg19) VCF-style: chr6-51890103-A-T.
Other names: c.4505T>A, p.Val1502Glu (NM_170724.3); short protein forms V1502E.
Identifiers: ClinVar variation 645192 (VCV000645192.15), dbSNP rs1581806804, ClinGen allele CA364432739.
Genomic context (GRCh38, chr6:52,025,305, plus strand): 5'-TCATCCACAAATACCATCGGCTCATCAGCTGTGGTGGCTAACCTCTGACCCCTAATCAGC[A>T]CAGTGGTCAGAGACCCACTGGTGTTTGTGGACAAGGCATCCATGACAGGACTTGCCTCTT-3'
Protein context (NP_619639.3, residues 1492-1512): STNTSGSLTT[Val1502Glu]LIRGQRLATT

ClinVar aggregate classification (germline): Uncertain significance. Review status: criteria provided, multiple submitters, no conflicts (2 of 4 stars). 3 submissions from 3 submitters: Uncertain significance (2). 1 of the submissions does not count toward it. Last evaluated 2024-04-08.

Conditions:
Polycystic kidney disease 4 (PKD4). Also called: POLYCYSTIC KIDNEY DISEASE 4 WITH OR WITHOUT POLYCYSTIC LIVER DISEASE; PKD3; POLYCYSTIC KIDNEY AND HEPATIC DISEASE 1; POLYCYSTIC KIDNEY DISEASE, INFANTILE, TYPE I; Autosomal Recessive Polycystic Kidney Disease – PKHD1. Identifiers: MedGen C4540575, MONDO:0033004, OMIM 263200.
Autosomal recessive polycystic kidney disease (ARPKD). Also called: AR polycystic kidney disease. Identifiers: Orphanet 731, Orphanet 8378, MedGen C0085548, MeSH D017044, MONDO:0009889.

Submissions (3):

Fulgent Genetics
Classification: Uncertain significance for Polycystic kidney disease 4. Last evaluated: 2024-04-08. Review status: criteria provided, single submitter. Criteria: ACMG Guidelines, 2015. Collection method: clinical testing. Allele origin: germline.

Labcorp Genetics (formerly Invitae), Labcorp
Classification: Uncertain significance for Autosomal recessive polycystic kidney disease. Last evaluated: 2018-09-11. Review status: criteria provided, single submitter. Criteria: Invitae Variant Classification Sherloc (09022015). Collection method: clinical testing. Allele origin: germline.
Comment: In summary, the available evidence is currently insufficient to determine the role of this variant in disease. Therefore, it has been classified as a Variant of Uncertain Significance. Algorithms developed to predict the effect of missense changes on protein structure and function are either unavailable or do not agree on the potential impact of this missense change (SIFT: "Deleterious"; PolyPhen-2: "Probably Damaging"; Align-GVGD: "Class C0"). This variant is not present in population databases (ExAC no frequency). This sequence change replaces valine with glutamic acid at codon 1502 of the PKHD1 protein (p.Val1502Glu). The valine residue is moderately conserved and there is a moderate physicochemical difference between valine and glutamic acid.

Natera, Inc.
Classification: Uncertain significance for Autosomal recessive polycystic kidney disease. Last evaluated: 2021-04-14. Review status: no assertion criteria provided. Collection method: clinical testing. Allele origin: germline. Not counted in ClinVar's aggregate classification.